The following is an entry in ClinVar:

NM_000038.6(APC):c.-19+42A>G

Gene: APC (APC regulator of WNT signaling pathway; plus strand). Cytogenetic location: 5q22.2.
Variant type: single nucleotide variant.
Coding change: c.-19+42A>G on transcript NM_000038.6 (MANE Select); 42 bases into the intron after 19 bases upstream of the start codon, A replaced by G.
Molecular consequence: intron variant.
Genome position (GRCh38, 1-based): chr5:112,737,967, A>G. VCF-style: chr5-112737967-A-G. GRCh37 (hg19) VCF-style: chr5-112073664-A-G.
Other names: c.-18-16906A>G (NM_001354895.2); c.166-28359A>G (NM_001354897.2, NM_001354902.2, NM_001127511.3); c.-127+42A>G (NM_001127510.3); c.-49+42A>G (NM_001354898.2, NM_001354904.2); c.-1054+42A>G (NM_001354906.2); c.-19+42A>G (NM_001354896.2, NM_001354903.2, NM_001354899.2); c.-43+42A>G (NM_001354900.2, NM_001354901.2, NM_001354905.2).
Identifiers: ClinVar variation 82737 (VCV000082737.2), dbSNP rs80112297, ClinGen allele CA006498.
Genomic context (GRCh38, chr5:112,737,967, plus strand): 5'-TGCCGGACTCGGAAATGGGGTAGGTGCTGGAGCCACCATGGCCAGGCTTGCTGCGGGGGG[A>G]GGGGGGAAGGTGGTTTTCCCTCGCACTGTCTTAAACCGATGGCCTTTCCTTGGCACAGGG-3'

ClinVar aggregate classification (germline): other (0 of 4 stars; one submission).

Conditions:
Familial colorectal cancer. Identifiers: MedGen CN280943, MONDO:0023113. Disease mechanism: loss of function.

Submission:

Systems Biology Platform Zhejiang California International NanoSystems Institute
Classification: other for Familial colorectal cancer. Review status: no assertion criteria provided. Collection method: not provided. Allele origin: unknown.
ClinVar note: Converted during submission from cancer to other.